The following is an entry in ClinVar:

ClinVar aggregate classification (germline): Uncertain significance (1 of 4 stars; one submission).

Submission:

Labcorp Genetics (formerly Invitae), Labcorp
Classification: Uncertain significance. Last evaluated: 2022-08-16. Review status: criteria provided, single submitter. Criteria: Invitae Variant Classification Sherloc (09022015). Collection method: clinical testing. Allele origin: germline.
Comment: Algorithms developed to predict the effect of missense changes on protein structure and function are either unavailable or do not agree on the potential impact of this missense change (SIFT: "Deleterious"; PolyPhen-2: "Possibly Damaging"; Align-GVGD: "Class C0"). ClinVar contains an entry for this variant (Variation ID: 1390997). This variant has not been reported in the literature in individuals affected with RPSA-related conditions. This variant is not present in population databases (gnomAD no frequency). This sequence change replaces valine, which is neutral and non-polar, with phenylalanine, which is neutral and non-polar, at codon 66 of the RPSA protein (p.Val66Phe). In summary, the available evidence is currently insufficient to determine the role of this variant in disease. Therefore, it has been classified as a Variant of Uncertain Significance.

NM_002295.6(RPSA):c.196G>T (p.Val66Phe)

Gene: RPSA (ribosomal protein SA; plus strand). Cytogenetic location: 3p22.1.
Variant type: single nucleotide variant.
Coding change: c.196G>T on transcript NM_002295.6 (MANE Select); coding-DNA position 196, G replaced by T.
Protein change: p.Val66Phe; replaces valine 66 with phenylalanine.
Molecular consequence: missense variant.
Genome position (GRCh38, 1-based): chr3:39,408,668, G>T. VCF-style: chr3-39408668-G-T. GRCh37 (hg19) VCF-style: chr3-39450159-G-T.
Other names: c.196G>T, p.Val66Phe (NM_001304288.2); short protein forms V66F.
Identifiers: ClinVar variation 1390997 (VCV001390997.6), dbSNP rs2125592410, ClinGen allele CA352211537.
Genomic context (GRCh38, chr3:39,408,668, plus strand): 5'-ATCTATATCATAAATCTCAAGAGGACCTGGGAGAAGCTTCTGCTGGCAGCTCGTGCAATT[G>T]TTGCCATTGAAAACCCTGCTGATGTCAGTGTTATATCCTCCAGGAATACTGGCCAGGTTT-3'
Protein context (NP_002286.2, residues 56-76): EKLLLAARAI[Val66Phe]AIENPADVSV